The following is an entry in ClinVar:

ClinVar aggregate classification (germline): Likely benign. Review status: criteria provided, multiple submitters, no conflicts (2 of 4 stars). 4 submissions from 4 submitters: Likely benign (4). Last evaluated 2025-12-30.

Conditions:
Inborn genetic diseases. Identifiers: MedGen C0950123, MeSH D030342.
Early-infantile DEE. Also called: Ohtahara syndrome; Early infantile epileptic encephalopathy with suppression bursts; Early infantile epileptic encephalopathy. Identifiers: Orphanet 1934, MedGen C0393706, MONDO:0800491.

Allele frequency attached by ClinVar (database versions not stated): 1000 Genomes Project 30x 0.00031; TOPMed 0.00002; gnomAD 0.00003; 1000 Genomes Project 0.00020.
gnomAD v4.1: 38 of 1,613,886 alleles (0.0024%); highest among the groups gnomAD compares: Middle Eastern, 0.033%; no homozygotes.

Submissions (4):

Labcorp Genetics (formerly Invitae), Labcorp
Classification: Likely benign for Early-infantile DEE. Last evaluated: 2025-12-30. Review status: criteria provided, single submitter. Criteria: Invitae Variant Classification Sherloc (09022015). Collection method: clinical testing. Allele origin: germline.

Blueprint Genetics
Classification: Likely benign. Last evaluated: 2023-11-22. Review status: criteria provided, single submitter. Criteria: ACMG Guidelines, 2015. Collection method: clinical testing. Allele origin: germline.

Ambry Genetics
Classification: Likely benign for Inborn genetic diseases. Last evaluated: 2023-04-21. Review status: criteria provided, single submitter. Criteria: Ambry Variant Classification Scheme 2023. Collection method: clinical testing. Allele origin: germline.

GeneDx
Classification: Likely benign. Last evaluated: 2020-06-16. Review status: criteria provided, single submitter. Criteria: GeneDx Variant Classification Process June 2021. Collection method: clinical testing. Allele origin: germline. Affected: yes.
Comment: See Variant Classification Assertion Criteria.

NM_001330260.2(SCN8A):c.3272A>G (p.Asn1091Ser)

Gene: SCN8A (sodium voltage-gated channel alpha subunit 8; plus strand). Cytogenetic location: 12q13.13.
Variant type: single nucleotide variant.
Coding change: c.3272A>G on transcript NM_001330260.2 (MANE Select); coding-DNA position 3272, A replaced by G.
Protein change: p.Asn1091Ser; replaces asparagine 1091 with serine.
Molecular consequence: missense variant.
Genome position (GRCh38, 1-based): chr12:51,769,235, A>G. VCF-style: chr12-51769235-A-G. GRCh37 (hg19) VCF-style: chr12-52163019-A-G.
Other names: c.3272A>G, p.Asn1091Ser (NM_001177984.3, NM_001369788.1, NM_014191.4); c.3272A>G (NM_014191.2); short protein forms N1091S.
Identifiers: ClinVar variation 530593 (VCV000530593.15), dbSNP rs558738676, ClinGen allele CA6571570.